The following is an entry in ClinVar:

NM_001267550.2(TTN):c.35199A>G (p.Val11733=)

Gene: TTN (titin; minus strand). Cytogenetic location: 2q31.2.
Variant type: single nucleotide variant.
Coding change: c.35199A>G on transcript NM_001267550.2 (MANE Select); coding-DNA position 35199, A replaced by G.
Protein change: p.Val11733=; no amino-acid change (valine 11733 retained).
Molecular consequence: synonymous variant. On other transcripts: intron variant (3).
Genome position (GRCh38, 1-based): chr2:178,671,999, T>C on the plus strand (A>G on the coding strand, the complement: TTN is on the minus strand). VCF-style: chr2-178671999-T-C. GRCh37 (hg19) VCF-style: chr2-179536726-T-C.
Other names: c.34077A>G, p.Val11359= (NM_001256850.1); c.31296A>G, p.Val10432= (NM_133378.4); c.13283-29682A>G (NM_003319.4); c.13859-29682A>G (NM_133437.4); c.13658-29682A>G (NM_133432.3).
Identifiers: ClinVar variation 597392 (VCV000597392.34), dbSNP rs1560255134, ClinGen allele CA430123741.
Genomic context (GRCh38, chr2:178,671,999, plus strand): 5'-AGAATTTGTAGTATTTGAAGAATTCCCTATACCTTTAGGTGGAGCTTTTGGTTTTTCAAA[T>C]ACTTCCACTTCTTCAGCCTCAAAAACTTCTATTACCCTATGAACTTTTTCAACTCTGTGT-3'
Protein context (NP_001254479.2, residues 11723-11743): IEVFEAEEVE[Val11733=]FEKPKAPPKG

ClinVar aggregate classification (germline): Conflicting classifications of pathogenicity. Review status: criteria provided, conflicting classifications (1 of 4 stars). 2 submissions from 2 submitters: Uncertain significance (1); Likely benign (1). Last evaluated 2022-11-01.

Allele frequency attached by ClinVar (database versions not stated): gnomAD exomes below 0.00001.
gnomAD v4.1: 2 of 1,604,170 alleles (0.00012%); highest among the groups gnomAD compares: Non-Finnish European, 0.000085%; no homozygotes.

Submissions (2):

CeGaT Center for Human Genetics Tuebingen
Classification: Likely benign. Last evaluated: 2022-11-01. Review status: criteria provided, single submitter. Criteria: CeGaT Center For Human Genetics Tuebingen Variant Classification Criteria Version 2. Collection method: clinical testing. Allele origin: germline. Affected: yes. Observed: 1 variant allele.
Comment: TTN: PM2:Supporting, BP4, BP7

Eurofins Ntd Llc (ga)
Classification: Uncertain significance. Last evaluated: 2018-06-05. Review status: criteria provided, single submitter. Criteria: EGL ClinVar v180209 classification definitions. Collection method: clinical testing. Allele origin: germline. Observed: 1 variant allele, 1 heterozygote.